The following is an entry in ClinVar:

ClinVar aggregate classification (germline): Uncertain significance (1 of 4 stars; one submission).

Conditions:
Hypertrophic cardiomyopathy 26. Also called: Cardiomyopathy, familial hypertrophic, 26. Identifiers: Orphanet 75249, MedGen C4310749, MONDO:0014883, OMIM 617047.
Myofibrillar myopathy 5. Also called: Filaminopathy (type); FILAMINOPATHY, AUTOSOMAL DOMINANT. Identifiers: Orphanet 171445, MedGen C1836050, MONDO:0012289, OMIM 609524.
Distal myopathy with posterior leg and anterior hand involvement. Also called: WILLIAMS DISTAL MYOPATHY. Identifiers: Orphanet 63273, MedGen C3279722, MONDO:0013550, OMIM 614065.

Submission:

Labcorp Genetics (formerly Invitae), Labcorp
Classification: Uncertain significance for Distal myopathy with posterior leg and anterior hand involvement; Myofibrillar myopathy 5; Hypertrophic cardiomyopathy 26. Last evaluated: 2025-10-03. Review status: criteria provided, single submitter. Criteria: Invitae Variant Classification Sherloc (09022015). Collection method: clinical testing. Allele origin: germline.
Comment: This sequence change replaces glycine, which is neutral and non-polar, with valine, which is neutral and non-polar, at codon 1091 of the FLNC protein (p.Gly1091Val). This variant is not present in population databases (gnomAD no frequency). This variant has not been reported in the literature in individuals affected with FLNC-related conditions. Invitae Evidence Modeling of protein sequence and biophysical properties (such as structural, functional, and spatial information, amino acid conservation, physicochemical variation, residue mobility, and thermodynamic stability) has been performed for this missense variant. However, the output from this modeling did not meet the statistical confidence thresholds required to predict the impact of this variant on FLNC protein function. In summary, the available evidence is currently insufficient to determine the role of this variant in disease. Therefore, it has been classified as a Variant of Uncertain Significance.

NM_001458.5(FLNC):c.3272G>T (p.Gly1091Val)

Gene: FLNC (filamin C; plus strand). Cytogenetic location: 7q32.1.
Variant type: single nucleotide variant.
Coding change: c.3272G>T on transcript NM_001458.5 (MANE Select); coding-DNA position 3272, G replaced by T.
Protein change: p.Gly1091Val; replaces glycine 1091 with valine.
Molecular consequence: missense variant.
Genome position (GRCh38, 1-based): chr7:128,844,737, G>T. VCF-style: chr7-128844737-G-T. GRCh37 (hg19) VCF-style: chr7-128484791-G-T.
Other names: c.3272G>T, p.Gly1091Val (NM_001127487.2); short protein forms G1091V.
Identifiers: ClinVar variation 4812414 (VCV004812414.1).